The following is an entry in ClinVar:

ClinVar aggregate classification (germline): Uncertain significance. Review status: criteria provided, multiple submitters, no conflicts (2 of 4 stars). 3 submissions from 3 submitters: Uncertain significance (3). Last evaluated 2025-07-15.

Allele frequency attached by ClinVar (database versions not stated): gnomAD exomes 0.00001; gnomAD 0.00002 and 0.00003; TOPMed 0.00002.
gnomAD v4.1: 12 of 1,613,962 alleles (0.00074%); highest among the groups gnomAD compares: Admixed American, 0.0033%; no homozygotes.

Submissions (3):

Ambry Genetics
Classification: Uncertain significance. Last evaluated: 2025-07-15. Review status: criteria provided, single submitter. Criteria: Ambry Variant Classification Scheme 2023. Collection method: clinical testing. Allele origin: germline.

GeneDx
Classification: Uncertain significance. Last evaluated: 2025-03-13. Review status: criteria provided, single submitter. Criteria: GeneDx Variant Classification Process June 2021. Collection method: clinical testing. Allele origin: germline. Affected: yes.
Comment: In silico analysis indicates that this missense variant does not alter protein structure/function; Has not been previously published as pathogenic or benign to our knowledge

Eurofins Ntd Llc (ga)
Classification: Uncertain significance. Last evaluated: 2016-02-12. Review status: criteria provided, single submitter. Criteria: EGL Classification Definitions 2015. Collection method: clinical testing. Allele origin: germline. Observed: 1 variant allele, 1 heterozygote.

NM_012301.4(MAGI2):c.644G>A (p.Arg215Gln)

Gene: MAGI2 (membrane associated guanylate kinase, WW and PDZ domain containing 2; minus strand). Cytogenetic location: 7q21.11.
Variant type: single nucleotide variant.
Coding change: c.644G>A on transcript NM_012301.4 (MANE Select); coding-DNA position 644, G replaced by A.
Protein change: p.Arg215Gln; replaces arginine 215 with glutamine.
Molecular consequence: missense variant.
Genome position (GRCh38, 1-based): chr7:78,521,540, C>T on the plus strand (G>A on the coding strand, the complement: MAGI2 is on the minus strand). VCF-style: chr7-78521540-C-T. GRCh37 (hg19) VCF-style: chr7-78150857-C-T.
Other names: c.644G>A, p.Arg215Gln (NM_001301128.2); c.644G>A (NM_012301.3); short protein forms R215Q.
Identifiers: ClinVar variation 286062 (VCV000286062.7), dbSNP rs886043298, ClinGen allele CA10605350.
Genomic context (GRCh38, chr7:78,521,540, plus strand): 5'-TCCTCCTCAGGAGGCTCTATACTGGCTTTCTCCATGTTGCTCACTGATTTATTCCTCTTC[C>T]GTTTTCCTTCAGCACTTGGAGTGGCTCCTGGAAGTATCTGGTCTGTTACATTTAACAATA-3'
Protein context (NP_036433.2, residues 205-225): PGATPSAEGK[Arg215Gln]KRNKSVSNME